The following is an entry in ClinVar:

ClinVar aggregate classification (germline): Uncertain significance. Review status: criteria provided, multiple submitters, no conflicts (2 of 4 stars). 3 submissions from 3 submitters: Uncertain significance (3). Last evaluated 2024-03-15.

Conditions:
Primary ciliary dyskinesia 33. Also called: CILIARY DYSKINESIA, PRIMARY, 33, WITHOUT SITUS INVERSUS. Identifiers: Orphanet 244, MedGen C4225230, MONDO:0014750, OMIM 616726.
Inborn genetic diseases. Identifiers: MedGen C0950123, MeSH D030342.

Allele frequency attached by ClinVar (database versions not stated): ExAC 0.00003; gnomAD exomes 0.00006; TOPMed 0.00006; gnomAD 0.00007.
gnomAD v4.1: 168 of 1,613,338 alleles (0.01%); highest among the groups gnomAD compares: Non-Finnish European, 0.011%; no homozygotes.

Submissions (3):

Ambry Genetics
Classification: Uncertain significance for Inborn genetic diseases. Last evaluated: 2024-03-15. Review status: criteria provided, single submitter. Criteria: Ambry Variant Classification Scheme 2023. Collection method: clinical testing. Allele origin: germline.

Labcorp Genetics (formerly Invitae), Labcorp
Classification: Uncertain significance for Primary ciliary dyskinesia 33. Last evaluated: 2023-12-19. Review status: criteria provided, single submitter. Criteria: Invitae Variant Classification Sherloc (09022015). Collection method: clinical testing. Allele origin: germline.
Comment: This sequence change replaces arginine, which is basic and polar, with histidine, which is basic and polar, at codon 44 of the GAS8 protein (p.Arg44His). This variant is present in population databases (rs200219366, gnomAD 0.03%). This variant has not been reported in the literature in individuals affected with GAS8-related conditions. ClinVar contains an entry for this variant (Variation ID: 839815). Advanced modeling of protein sequence and biophysical properties (such as structural, functional, and spatial information, amino acid conservation, physicochemical variation, residue mobility, and thermodynamic stability) has been performed at Invitae for this missense variant, however the output from this modeling did not meet the statistical confidence thresholds required to predict the impact of this variant on GAS8 protein function. In summary, the available evidence is currently insufficient to determine the role of this variant in disease. Therefore, it has been classified as a Variant of Uncertain Significance.

Centre of Medical Genetics, University Hospital Muenster
Classification: Uncertain significance. Last evaluated: 2021-12-13. Review status: criteria provided, single submitter. Criteria: ACMG Guidelines, 2015. Collection method: clinical testing. Allele origin: unknown. Affected: yes. Observed: 1 variant allele, 1 heterozygote.
Comment: ACMG categories: PM2,PP3,BP1

NM_001481.3(DRC4):c.131G>A (p.Arg44His)

Gene: DRC4 (dynein regulatory complex subunit 4; plus strand). Cytogenetic location: 16q24.3.
Variant type: single nucleotide variant.
Coding change: c.131G>A on transcript NM_001481.3 (MANE Select); coding-DNA position 131, G replaced by A.
Protein change: p.Arg44His; replaces arginine 44 with histidine.
Molecular consequence: missense variant. On other transcripts: 5 prime UTR variant (2).
Genome position (GRCh38, 1-based): chr16:90,031,339, G>A. VCF-style: chr16-90031339-G-A. GRCh37 (hg19) VCF-style: chr16-90097747-G-A.
Other names: c.-119G>A (NM_001286205.2); c.-391G>A (NM_001286208.2); c.56G>A, p.Arg19His (NM_001286209.2); short protein forms R19H, R44H.
Identifiers: ClinVar variation 839815 (VCV000839815.11), dbSNP rs200219366, ClinGen allele CA8257686.